The following is an entry in ClinVar:

NM_001875.5(CPS1):c.4090A>G (p.Ile1364Val)

Gene: CPS1 (carbamoyl-phosphate synthase 1; plus strand). Cytogenetic location: 2q34.
Variant type: single nucleotide variant.
Coding change: c.4090A>G on transcript NM_001875.5 (MANE Select); coding-DNA position 4090, A replaced by G.
Protein change: p.Ile1364Val; replaces isoleucine 1364 with valine.
Molecular consequence: missense variant. On other transcripts: non-coding transcript variant (2).
Genome position (GRCh38, 1-based): chr2:210,668,273, A>G. VCF-style: chr2-210668273-A-G. GRCh37 (hg19) VCF-style: chr2-211532997-A-G.
Other names: c.4090A>G, p.Ile1364Val (NM_001122633.3, NM_001369257.1); c.4123A>G, p.Ile1375Val (NM_001369256.1); short protein forms I1364V, I1375V.
Identifiers: ClinVar variation 2177852 (VCV002177852.1), dbSNP rs764211867, ClinGen allele CA2087170.

ClinVar aggregate classification (germline): Uncertain significance (1 of 4 stars; one submission).

Conditions:
Congenital hyperammonemia, type I. Also called: Carbamoyl phosphate synthetase 1 deficiency; Hyperammonemia due to carbamoyl phosphate synthetase 1 deficiency; CPS 1 deficiency; Carbamyl phosphate synthetase (CPS) deficiency; Carbamoyl-phosphate synthase I deficiency; Carbamoyl phosphate synthetase I deficiency disease. Identifiers: Orphanet 147, MedGen C4082171, MONDO:0009376, OMIM 237300.

Allele frequency attached by ClinVar (database versions not stated): ExAC 0.00001; gnomAD exomes 0.00001.
gnomAD v4.1: 3 of 1,612,586 alleles (0.00019%); highest among the groups gnomAD compares: East Asian, 0.0022%; no homozygotes.

Submission:

Labcorp Genetics (formerly Invitae), Labcorp
Classification: Uncertain significance for Congenital hyperammonemia, type I. Last evaluated: 2022-07-11. Review status: criteria provided, single submitter. Criteria: Invitae Variant Classification Sherloc (09022015). Collection method: clinical testing. Allele origin: germline.
Comment: This sequence change replaces isoleucine, which is neutral and non-polar, with valine, which is neutral and non-polar, at codon 1364 of the CPS1 protein (p.Ile1364Val). This variant is present in population databases (rs764211867, gnomAD 0.006%). This variant has not been reported in the literature in individuals affected with CPS1-related conditions. Algorithms developed to predict the effect of missense changes on protein structure and function (SIFT, PolyPhen-2, Align-GVGD) all suggest that this variant is likely to be tolerated. Algorithms developed to predict the effect of sequence changes on RNA splicing suggest that this variant may create or strengthen a splice site. In summary, the available evidence is currently insufficient to determine the role of this variant in disease. Therefore, it has been classified as a Variant of Uncertain Significance.